The following is an entry in ClinVar:

ClinVar aggregate classification (germline): Likely benign. Review status: criteria provided, single submitter (1 of 4 stars). 2 submissions from 2 submitters: Likely benign (1). 1 of the submissions does not count toward it. Last evaluated 2025-02-19.

Conditions:
NTHL1-related disorder. Also called: NTHL1-related condition; NTHL1-related conditions.

gnomAD v4.1: 18 of 1,613,178 alleles (0.0011%); highest among the groups gnomAD compares: South Asian, 0.018%; no homozygotes.

Submissions (2):

Labcorp Genetics (formerly Invitae), Labcorp
Classification: Likely benign. Last evaluated: 2025-02-19. Review status: criteria provided, single submitter. Criteria: Invitae Variant Classification Sherloc (09022015). Collection method: clinical testing. Allele origin: germline.

PreventionGenetics, part of Exact Sciences
Classification: Likely benign for NTHL1-related condition. Last evaluated: 2019-05-20. Review status: no assertion criteria provided. Collection method: clinical testing. Allele origin: germline. Not counted in ClinVar's aggregate classification.
Comment: This variant is classified as likely benign based on ACMG/AMP sequence variant interpretation guidelines (Richards et al. 2015 PMID: 25741868, with internal and published modifications).

NM_002528.7(NTHL1):c.791+10T>C

Gene: NTHL1 (nth like DNA glycosylase 1; minus strand). Cytogenetic location: 16p13.3.
Variant type: single nucleotide variant.
Coding change: c.791+10T>C on transcript NM_002528.7 (MANE Select); 10 bases into the intron after coding-DNA position 791, T replaced by C.
Molecular consequence: intron variant.
Genome position (GRCh38, 1-based): chr16:2,040,123, A>G on the plus strand (T>C on the coding strand, the complement: NTHL1 is on the minus strand). VCF-style: chr16-2040123-A-G. GRCh37 (hg19) VCF-style: chr16-2090124-A-G.
Other names: c.461+10T>C (NM_001318194.2); c.620+10T>C (NM_001318193.2); c.815+10T>C (NM_002528.6).
Identifiers: ClinVar variation 1115834 (VCV001115834.11), dbSNP rs564181825, ClinGen allele CA7828112.
Genomic context (GRCh38, chr16:2,040,123, plus strand): 5'-CTGGGTCAGTGCTGACAGAGGGCGGGCGGGGTGAGCTCTTCTCCCTAGGAAGCCCCCCAC[A>G]TACTCATACCTAGGCAGCCACTCCTCCAGGGCGGCGCGGGTCTCCTCTGGGGACTTGGTT-3'